The following is an entry in ClinVar:

ClinVar aggregate classification (germline): Uncertain significance. Review status: criteria provided, multiple submitters, no conflicts (2 of 4 stars). 3 submissions from 3 submitters: Uncertain significance (3). Last evaluated 2026-01-17.

Conditions:
Inborn genetic diseases. Identifiers: MedGen C0950123, MeSH D030342.
Werner syndrome (WRN). Identifiers: Orphanet 902, MedGen C0043119, MONDO:0010196, OMIM 277700.

Allele frequency attached by ClinVar (database versions not stated): gnomAD 0.00001; gnomAD exomes 0.00001 and 0.00002; ExAC 0.00003.
gnomAD v4.1: 15 of 1,613,614 alleles (0.00093%); highest among the groups gnomAD compares: Admixed American, 0.01%; no homozygotes.

Submissions (3):

Dasa
Classification: Uncertain significance. Last evaluated: 2026-01-17. Review status: criteria provided, single submitter. Criteria: DASA Assertion Criteria. Collection method: clinical testing. Allele origin: germline.
Comment: NM_000553.6(WRN):c.1448A>G (p.Asn483Ser) is a missense variant that results in the substitution of asparagine with serine. This variant is rare in population databases. Computational prediction algorithms are consistent with a benign effect. The currently available literature and clinical evidence are not sufficient to establish a definitive association between this variant and the reported condition. Therefore, this variant is classified as a variant of uncertain significance.

Ambry Genetics
Classification: Uncertain significance for Inborn genetic diseases. Last evaluated: 2025-06-10. Review status: criteria provided, single submitter. Criteria: Ambry Variant Classification Scheme 2023. Collection method: clinical testing. Allele origin: germline.

Labcorp Genetics (formerly Invitae), Labcorp
Classification: Uncertain significance for Werner syndrome. Last evaluated: 2024-05-29. Review status: criteria provided, single submitter. Criteria: Invitae Variant Classification Sherloc (09022015). Collection method: clinical testing. Allele origin: germline.
Comment: This sequence change replaces asparagine, which is neutral and polar, with serine, which is neutral and polar, at codon 483 of the WRN protein (p.Asn483Ser). This variant is present in population databases (rs764011979, gnomAD 0.009%). This variant has not been reported in the literature in individuals affected with WRN-related conditions. ClinVar contains an entry for this variant (Variation ID: 458383). Algorithms developed to predict the effect of missense changes on protein structure and function output the following: SIFT: "Not Available"; PolyPhen-2: "Benign"; Align-GVGD: "Not Available". The serine amino acid residue is found in multiple mammalian species, which suggests that this missense change does not adversely affect protein function. In summary, the available evidence is currently insufficient to determine the role of this variant in disease. Therefore, it has been classified as a Variant of Uncertain Significance.

NM_000553.6(WRN):c.1448A>G (p.Asn483Ser)

Gene: WRN (WRN RecQ like helicase; plus strand). Cytogenetic location: 8p12.
Variant type: single nucleotide variant.
Coding change: c.1448A>G on transcript NM_000553.6 (MANE Select); coding-DNA position 1448, A replaced by G.
Protein change: p.Asn483Ser; replaces asparagine 483 with serine.
Molecular consequence: missense variant.
Genome position (GRCh38, 1-based): chr8:31,087,792, A>G. VCF-style: chr8-31087792-A-G. GRCh37 (hg19) VCF-style: chr8-30945308-A-G.
Other names: short protein forms N483S.
Identifiers: ClinVar variation 458383 (VCV000458383.12), dbSNP rs764011979, ClinGen allele CA4704376.